The following is an entry in ClinVar:

ClinVar aggregate classification (germline): Uncertain significance (1 of 4 stars; one submission).

Conditions:
Emery-Dreifuss muscular dystrophy 5, autosomal dominant (EDMD5). Also called: EMERY-DREIFUSS MUSCULAR DYSTROPHY 5. Identifiers: Orphanet 261, MedGen C2751805, MONDO:0013072, OMIM 612999.

Submission:

Labcorp Genetics (formerly Invitae), Labcorp
Classification: Uncertain significance for Emery-Dreifuss muscular dystrophy 5, autosomal dominant. Last evaluated: 2025-12-19. Review status: criteria provided, single submitter. Criteria: Invitae Variant Classification Sherloc (09022015). Collection method: clinical testing. Allele origin: germline.
Comment: This sequence change replaces leucine, which is neutral and non-polar, with glutamine, which is neutral and polar, at codon 1130 of the SYNE2 protein (p.Leu1130Gln). This variant is not present in population databases (gnomAD no frequency). This variant has not been reported in the literature in individuals affected with SYNE2-related conditions. An algorithm developed to predict the effect of missense changes on protein structure and function (PolyPhen-2) suggests that this variant is likely to be disruptive. In summary, the available evidence is currently insufficient to determine the role of this variant in disease. Therefore, it has been classified as a Variant of Uncertain Significance.

NM_182914.3(SYNE2):c.3389T>A (p.Leu1130Gln)

Gene: SYNE2 (spectrin repeat containing nuclear envelope protein 2; plus strand). Cytogenetic location: 14q23.2.
Variant type: single nucleotide variant.
Coding change: c.3389T>A on transcript NM_182914.3 (MANE Select); coding-DNA position 3389, T replaced by A.
Protein change: p.Leu1130Gln; replaces leucine 1130 with glutamine.
Molecular consequence: missense variant.
Genome position (GRCh38, 1-based): chr14:63,998,949, T>A. VCF-style: chr14-63998949-T-A. GRCh37 (hg19) VCF-style: chr14-64465667-T-A.
Other names: c.3389T>A, p.Leu1130Gln (NM_015180.6); short protein forms L1130Q.
Identifiers: ClinVar variation 4701129 (VCV004701129.1).